The following is an entry in ClinVar:

NM_007194.4(CHEK2):c.389T>C (p.Leu130Pro)

Gene: CHEK2 (checkpoint kinase 2; minus strand). Cytogenetic location: 22q12.1.
Variant type: single nucleotide variant.
Coding change: c.389T>C on transcript NM_007194.4 (MANE Select); coding-DNA position 389, T replaced by C.
Protein change: p.Leu130Pro; replaces leucine 130 with proline.
Molecular consequence: missense variant.
Genome position (GRCh38, 1-based): chr22:28,725,298, A>G on the plus strand (T>C on the coding strand, the complement: CHEK2 is on the minus strand). VCF-style: chr22-28725298-A-G. GRCh37 (hg19) VCF-style: chr22-29121286-A-G.
Other names: c.518T>C, p.Leu173Pro (NM_001005735.3); c.-389T>C (NM_001257387.3); c.389T>C, p.Leu130Pro (NM_001349956.3, NM_145862.3); short protein forms L130P, L173P.
Identifiers: ClinVar variation 479571 (VCV000479571.10), dbSNP rs150677496, ClinGen allele CA411108047.

ClinVar aggregate classification (germline): Uncertain significance. Review status: criteria provided, multiple submitters, no conflicts (2 of 4 stars). 2 submissions from 2 submitters: Uncertain significance (2). Last evaluated 2025-12-09.

Conditions:
Familial cancer of breast. Also called: BREAST CANCER, FAMILIAL; Hereditary breast cancer; hereditary breast carcinoma. Identifiers: Orphanet 227535, MedGen C0346153, MONDO:0016419, OMIM 114480. Disease mechanism: loss of function.
Hereditary cancer-predisposing syndrome. Also called: Hereditary Cancer Syndrome; Neoplastic Syndromes, Hereditary; Tumor predisposition; Hereditary neoplastic syndrome. Identifiers: Orphanet 140162, MedGen C0027672, MeSH D009386, MONDO:0015356.

Submissions (2):

Labcorp Genetics (formerly Invitae), Labcorp
Classification: Uncertain significance for Familial cancer of breast. Last evaluated: 2025-12-09. Review status: criteria provided, single submitter. Criteria: Invitae Variant Classification Sherloc (09022015). Collection method: clinical testing. Allele origin: germline.
Comment: This sequence change replaces leucine, which is neutral and non-polar, with proline, which is neutral and non-polar, at codon 130 of the CHEK2 protein (p.Leu130Pro). This variant is not present in population databases (gnomAD no frequency). This variant has not been reported in the literature in individuals affected with CHEK2-related conditions. ClinVar contains an entry for this variant (Variation ID: 479571). An algorithm developed to predict the effect of missense changes on protein structure and function (PolyPhen-2) suggests that this variant is likely to be disruptive. In summary, the available evidence is currently insufficient to determine the role of this variant in disease. Therefore, it has been classified as a Variant of Uncertain Significance.

Ambry Genetics
Classification: Uncertain significance for Hereditary cancer-predisposing syndrome. Last evaluated: 2016-07-25. Review status: criteria provided, single submitter. Criteria: Ambry Variant Classification Scheme 2023. Collection method: clinical testing. Allele origin: germline.
Comment: The p.L130P variant (also known as c.389T>C), located in coding exon 2 of the CHEK2 gene, results from a T to C substitution at nucleotide position 389. The leucine at codon 130 is replaced by proline, an amino acid with similar properties. This variant was not reported in population based cohorts in the following databases: Database of Single Nucleotide Polymorphisms (dbSNP), NHLBI Exome Sequencing Project (ESP), and 1000 Genomes Project. In the ESP, this variant was not observed in 6503 samples (13006 alleles) with coverage at this position. To date, this alteration has been detected with an allele frequency of approximately 0.001% (greater than 200000 alleles tested) in our clinical cohort. This amino acid position is highly conserved in available vertebrate species. In addition, this alteration is predicted to be deleterious by in silico analysis. Since supporting evidence is limited at this time, the clinical significance of this alteration remains unclear.